The following is an entry in ClinVar:

ClinVar aggregate classification (germline): Uncertain significance (1 of 4 stars; one submission).

Conditions:
Hyperinsulinism-hyperammonemia syndrome (HHF6). Identifiers: Orphanet 35878, MedGen C1847555, MONDO:0011717, OMIM 606762.

Submission:

Labcorp Genetics (formerly Invitae), Labcorp
Classification: Uncertain significance for Hyperinsulinism-hyperammonemia syndrome. Last evaluated: 2024-04-02. Review status: criteria provided, single submitter. Criteria: Invitae Variant Classification Sherloc (09022015). Collection method: clinical testing. Allele origin: germline.
Comment: This sequence change creates a premature translational stop signal (p.Tyr152*) in the GLUD1 gene. It is expected to result in an absent or disrupted protein product. However, the current clinical and genetic evidence is not sufficient to establish whether loss-of-function variants in GLUD1 cause disease. This variant is present in population databases (rs766408011, gnomAD 0.02%). This variant has not been reported in the literature in individuals affected with GLUD1-related conditions. In summary, the available evidence is currently insufficient to determine the role of this variant in disease. Therefore, it has been classified as a Variant of Uncertain Significance.

NM_005271.5(GLUD1):c.455dup (p.Tyr152Ter)

Gene: GLUD1 (glutamate dehydrogenase 1; minus strand). Cytogenetic location: 10q23.2.
Variant type: Duplication.
Coding change: c.455dup on transcript NM_005271.5 (MANE Select); coding-DNA position 455, one base duplicated (A; older notation c.455dupA).
Protein change: p.Tyr152Ter; replaces tyrosine 152 with a stop codon.
Molecular consequence: nonsense. On other transcripts: 5 prime UTR variant (5).
Genome position (GRCh38, 1-based): chr10:87,076,647, T duplicated on the plus strand (A on the coding strand, the reverse complement: GLUD1 is on the minus strand). VCF-style (leftmost placement, unchanged base first): chr10-87076646-G-GT. GRCh37 (hg19) VCF-style: chr10-88836403-G-GT.
Other names: c.56dup, p.Tyr19Ter (NM_001318900.1); c.-47dup (NM_001318901.1, NM_001318902.1, NM_001318904.2 and 2 more transcripts); short protein forms Y152*, Y19*.
Identifiers: ClinVar variation 3628652 (VCV003628652.2).